The following is an entry in ClinVar:

ClinVar aggregate classification (germline): Uncertain significance (1 of 4 stars; one submission).

gnomAD v4.1: 586 of 1,419,694 alleles (0.041%); highest among the groups gnomAD compares: Non-Finnish European, 0.051%; no homozygotes.

Submission:

CeGaT Center for Human Genetics Tuebingen
Classification: Uncertain significance. Last evaluated: 2026-01-01. Review status: criteria provided, single submitter. Criteria: CeGaT Center For Human Genetics Tuebingen Variant Classification Criteria Version 2. Collection method: clinical testing. Allele origin: germline. Affected: yes. Observed: 1 variant allele.
Comment: CPLANE1: PM2

NM_001384732.1(CPLANE1):c.8051C>A (p.Ala2684Glu)

Gene: CPLANE1 (ciliogenesis and planar polarity effector complex subunit 1; minus strand). Cytogenetic location: 5p13.2.
Variant type: single nucleotide variant.
Coding change: c.8051C>A on transcript NM_001384732.1 (MANE Select); coding-DNA position 8051, C replaced by A.
Protein change: p.Ala2684Glu; replaces alanine 2684 with glutamic acid.
Molecular consequence: missense variant. On other transcripts: intron variant (1).
Genome position (GRCh38, 1-based): chr5:37,157,381, G>T on the plus strand (C>A on the coding strand, the complement: CPLANE1 is on the minus strand). VCF-style: chr5-37157381-G-T. GRCh37 (hg19) VCF-style: chr5-37157483-G-T.
Other names: c.7957+289C>A (NM_023073.4); short protein forms A2684E.
Identifiers: ClinVar variation 4821689 (VCV004821689.4).
Genomic context (GRCh38, chr5:37,157,381, plus strand): 5'-TGCTGTATGTCTGATGGTGTAGGTGAGGTGACACTAGGCTCCTTCACTTCTGTAATGCCT[G>T]CTCTCAAGCTTTTTCCATCCAGACAAGCTGGAGTTACTTCTGCAGGTTTAGAAAATAAAT-3'
Protein context (NP_001371661.1, residues 2674-2694): PACLDGKSLR[Ala2684Glu]GITEVKEPSV